The following is an entry in ClinVar:

NM_003002.4(SDHD):c.158C>T (p.Pro53Leu)

Gene: SDHD (succinate dehydrogenase complex subunit D; plus strand). Cytogenetic location: 11q23.1.
Variant type: single nucleotide variant.
Coding change: c.158C>T on transcript NM_003002.4 (MANE Select); coding-DNA position 158, C replaced by T.
Protein change: p.Pro53Leu; replaces proline 53 with leucine.
Molecular consequence: missense variant. On other transcripts: non-coding transcript variant (1), intron variant (1).
Genome position (GRCh38, 1-based): chr11:112,087,962, C>T. VCF-style: chr11-112087962-C-T. GRCh37 (hg19) VCF-style: chr11-111958686-C-T.
Other names: c.158C>T, p.Pro53Leu (NM_001276503.2, NM_001276506.2); c.53-905C>T (NM_001276504.2); short protein forms P53L.
Identifiers: ClinVar variation 161388 (VCV000161388.35), dbSNP rs149516118, ClinGen allele CA016765.

ClinVar aggregate classification (germline): Uncertain significance. Review status: criteria provided, multiple submitters, no conflicts (2 of 4 stars). 9 submissions from 9 submitters: Uncertain significance (8). 1 of the submissions does not count toward it. Last evaluated 2026-01-27.

Conditions:
Paragangliomas with sensorineural hearing loss. Identifiers: MedGen C1868633.
Carney-Stratakis syndrome. Also called: PARAGANGLIOMA AND GASTROINTESTINAL STROMAL TUMOR. Identifiers: Orphanet 97286, MedGen C1847319, MONDO:0011740, OMIM 606864.
Cowden syndrome 3 (CWS3). Identifiers: Orphanet 201, MedGen CN166604, MONDO:0014045.
Pheochromocytoma. Also called: MAX-Related Hereditary Paraganglioma-Pheochromocytoma Syndrome. Identifiers: Orphanet 29072, MedGen C0031511, MONDO:0008233, OMIM 171300, HP:0002666.
Hereditary cancer-predisposing syndrome. Also called: Hereditary neoplastic syndrome; Hereditary Cancer Syndrome; Neoplastic Syndromes, Hereditary; Tumor predisposition. Identifiers: Orphanet 140162, MedGen C0027672, MeSH D009386, MONDO:0015356.
Hereditary pheochromocytoma and paraganglioma. Also called: Hereditary Paraganglioma-Pheochromocytoma Syndromes; Hereditary paragangliomas and pheochromocytomas; Hereditary pheochromocytoma-paraganglioma. Identifiers: Orphanet 29072, MedGen C4274332, MONDO:0017366.

Allele frequency attached by ClinVar (database versions not stated): gnomAD exomes 0.00002 and 0.00004; gnomAD 0.00003; TOPMed 0.00004; ExAC 0.00006; ESP Exome Variant Server 0.00008.
gnomAD v4.1: 39 of 1,604,708 alleles (0.0024%); highest among the groups gnomAD compares: Middle Eastern, 0.049%; no homozygotes.

Submissions 1 to 5 of 9:

Women's Health and Genetics/Laboratory Corporation of America, LabCorp
Classification: Uncertain significance. Last evaluated: 2026-01-27. Review status: criteria provided, single submitter. Criteria: LabCorp Variant Classification Summary - May 2015. Collection method: clinical testing. Allele origin: germline.
Comment: Variant summary: SDHD c.158C>T (p.Pro53Leu) results in a non-conservative amino acid change in the encoded protein sequence. Algorithms developed to predict the effect of missense changes on protein structure and function all suggest that this variant is likely to be disruptive. The variant allele was found at a frequency of 4.4e-05 in 251434 control chromosomes. The observed variant frequency exceeds the estimated maximal expected allele frequency for disease-causing variants in SDHD. c.158C>T has been observed in individual(s) affected with Hereditary Paraganglioma-Pheochromocytoma Syndrome (Lefebvre_2012, Leidenz_2015, BenAim_JMG_2019). These report(s) do not provide unequivocal conclusions about association of the variant with Hereditary Paraganglioma-Pheochromocytoma Syndrome. Co-occurrences with other pathogenic variant(s) have been reported (SDHD c.14G>A, p.Trp5X; SDHD c.435del, p.Phe146Serfs*12), providing supporting evidence for a benign role (Leidenz_2015, BenAim_JMG_2019). One publication reports experimental evidence evaluating an impact on protein function, however, does not allow convincing conclusions about the variant effect (Panizza_2013). The following publications have been ascertained in the context of this evaluation (PMID: 25637381, 34452955, 22517554, 25819804, 23175444, 25985138). ClinVar contains an entry for this variant (Variation ID: 161388). Based on the evidence outlined above, the variant was classified as uncertain significance.

Labcorp Genetics (formerly Invitae), Labcorp
Classification: Uncertain significance for Carney-Stratakis syndrome; Paragangliomas with sensorineural hearing loss; Pheochromocytoma; Cowden syndrome 3. Last evaluated: 2025-12-21. Review status: criteria provided, single submitter. Criteria: Invitae Variant Classification Sherloc (09022015). Collection method: clinical testing. Allele origin: germline.
Comment: This sequence change replaces proline, which is neutral and non-polar, with leucine, which is neutral and non-polar, at codon 53 of the SDHD protein (p.Pro53Leu). This variant is present in population databases (rs149516118, gnomAD 0.01%). This missense change has been observed in individual(s) with hereditary paraganglioma pheochromocytoma syndrome and sporadic pheochromocytoma and paraganglioma (PMID: 22517554, 25819804, 30877234). ClinVar contains an entry for this variant (Variation ID: 161388). Invitae Evidence Modeling of protein sequence and biophysical properties (such as structural, functional, and spatial information, amino acid conservation, physicochemical variation, residue mobility, and thermodynamic stability) indicates that this missense variant is not expected to disrupt SDHD protein function with a negative predictive value of 80%. Experimental studies have shown that this missense change does not substantially affect SDHD function (PMID: 23175444). RNA analysis performed to evaluate the impact of this missense change on mRNA splicing indicates it does not significantly alter splicing (internal data). In summary, the available evidence is currently insufficient to determine the role of this variant in disease. Therefore, it has been classified as a Variant of Uncertain Significance.

Ambry Genetics
Classification: Uncertain significance for Hereditary cancer-predisposing syndrome. Last evaluated: 2025-09-29. Review status: criteria provided, single submitter. Criteria: Ambry Variant Classification Scheme 2023. Collection method: clinical testing. Allele origin: germline.
Comment: The p.P53L variant (also known as c.158C>T), located in coding exon 2 of the SDHD gene, results from a C to T substitution at nucleotide position 158. The proline at codon 53 is replaced by leucine, an amino acid with similar properties. This alteration has been reported in individuals diagnosed with sporadic pheochromocytoma and/or paraganglioma (Lefebvre S et al, Horm. Metab. Res. 2012 May; 44(5):334-8; Donato S et al. Endocrine 2019 08;65(2):408-415). A yeast based functional assay has shown this alteration resulted in no/mild phenotypic effect on oxidative growth (Panizza E et al, Hum. Mol. Genet. 2013 Feb; 22(4):804-15). This amino acid position is well conserved in available vertebrate species. In addition, this alteration is predicted to be deleterious by in silico analysis. Based on the available evidence, the clinical significance of this variant remains unclear.

Quest Diagnostics Nichols Institute San Juan Capistrano
Classification: Uncertain significance. Last evaluated: 2025-07-22. Review status: criteria provided, single submitter. Criteria: Quest Diagnostics criteria. Collection method: clinical testing. Allele origin: unknown.
Comment: The SDHD c.158C>T (p.Pro53Leu) variant has been reported in the published literature in individuals with sporadic pheochromocytomas (PMID: 22517554 (2012)), hereditary paraganglioma pheochromocytoma syndrome (PMID: 25819804 (2015)), head and neck paraganglioma (PMID: 30877234 (2019)), and high-grade sarcoma (PMID: 32659967 (2020)). A functional study performed with a yeast model suggests that the variant has little to no deleterious effect on SDH activity (PMID: 23175444 (2013)), however additional studies are required to validate these findings. The frequency of this variant in the general population (Genome Aggregation Database) is higher than would generally be expected for pathogenic variants in this gene. Analysis of this variant using bioinformatics tools for the prediction of the effect of amino acid changes on protein structure and function yielded predictions that this variant is damaging. Based on the available information, we are unable to determine the clinical significance of this variant.

Molecular Diagnostics Laboratory, Catalan Institute of Oncology
Classification: Uncertain significance for Hereditary cancer-predisposing syndrome. Last evaluated: 2024-11-27. Review status: criteria provided, single submitter. Criteria: ACMG Guidelines, 2015. Collection method: clinical testing. Allele origin: germline.
Comment: PP3_Moderate c.158C>T, located in exon 2 of the SDHD gene, is predicted to result in the substitution of proline by leucine at codon 30, p.(Pro53Leu).This variant is found in 4/34260, with a filter allele frequency of 0.002% at 99% confidence in the gnomAD v2.1.1 database (Latino non-cancer data set). The SpliceAI algorithm results in a non-informative deltascore (0.25) for the effect of this variant on splicing and the REVEL meta-predictor score (0.778) for this variant suggests a deleterious effect on protein function according to Pejaver 2022 thresholds (PMID: 36413997) (PP3_Moderate). Functional studies have shown that this missense change does not affect SDHD function substantially (PMID:23175444). It has been reported in ClinVar (5x uncertain significance) and LOVD (3x uncertain significance) databases. It has been identified in an individual with paraganglioma where another pathogenic variant in SDHD has also been identified in trans (PMID: 25819804) and in patients from our internal cohort showing other several cancer types (ovarian , breast, colorectal, prostate,…). Based on currently available information, c.158C>T is classified as an uncertain significance variant according to ACMG guidelines.